The following is an entry in ClinVar:

ClinVar aggregate classification (germline): Conflicting classifications of pathogenicity. Review status: criteria provided, conflicting classifications (1 of 4 stars). 6 submissions from 6 submitters: Uncertain significance (2); Likely benign (2). 2 of the submissions do not count toward it. Last evaluated 2026-01-18.

Conditions:
IFNGR2-related disorder. Also called: IFNGR2-related condition.
Immunodeficiency 28 (IMD28). Also called: IFNGR2 DEFICIENCY. Identifiers: Orphanet 319547, Orphanet 319574, MedGen C4013947, MONDO:0013953, OMIM 614889.

Allele frequency attached by ClinVar (database versions not stated): gnomAD exomes 0.00021 and 0.00051; ExAC 0.00067; gnomAD 0.00235 and 0.00212; TOPMed 0.00268; ESP Exome Variant Server 0.00277; 1000 Genomes Project 0.00080; 1000 Genomes Project 30x 0.00094.
gnomAD v4.1: 635 of 1,614,048 alleles (0.039%); highest among the groups gnomAD compares: African/African-American, 0.78%; 1 homozygote.

Submissions (6):

Labcorp Genetics (formerly Invitae), Labcorp
Classification: Likely benign for Immunodeficiency 28. Last evaluated: 2026-01-18. Review status: criteria provided, single submitter. Criteria: Invitae Variant Classification Sherloc (09022015). Collection method: clinical testing. Allele origin: germline.

Blueprint Genetics
Classification: Likely benign. Last evaluated: 2024-09-13. Review status: criteria provided, single submitter. Criteria: ACMG Guidelines, 2015. Collection method: clinical testing. Allele origin: germline.

Women's Health and Genetics/Laboratory Corporation of America, LabCorp
Classification: Uncertain significance. Last evaluated: 2023-09-14. Review status: criteria provided, single submitter. Criteria: LabCorp Variant Classification Summary - May 2015. Collection method: clinical testing. Allele origin: germline.
Comment: Variant summary: IFNGR2 c.708A>T (p.Glu236Asp) results in a conservative amino acid change located in a Fibronectin type III domain (IPR003961) of the encoded protein sequence. Four of five in-silico tools predict a benign effect of the variant on protein function. The variant allele was found at a frequency of 0.00051 in 251382 control chromosomes, predominantly at a frequency of 0.0075 within the African or African-American subpopulation in the gnomAD database, including 1 homozygote. The available data on variant occurrences in the general population are insufficient to allow any conclusion about variant significance, although the high frequency in the African/African-American subpopulation and presence of a homozygote suggest the variant could be benign or display incomplete penetrance. c.708A>T has been reported in the literature in at least one homozygous individual affected with suspected Mendelian Susceptibility to Mycobacterial Disease, with a similarly affected, deceased sibling, and a demonstrated deficiency in interferon gamma production/signalling (e.g., vanColler_2021). These data indicate that the variant may be associated with disease. To our knowledge, no experimental evidence demonstrating an impact on protein function has been reported. The following publications have been ascertained in the context of this evaluation (PMID: 26242990, 34517836). Two submitters have reported clinical-significance assessments for this variant to ClinVar after 2014. One submitter classified the variant as likely benign, and one submitter classified the variant as uncertain significance. Based on the evidence outlined above, the variant was classified as uncertain significance.

Center for Genomics, Ann and Robert H. Lurie Children's Hospital of Chicago
Classification: Uncertain significance for Immunodeficiency 28. Last evaluated: 2021-03-30. Review status: criteria provided, single submitter. Criteria: ACMG Guidelines, 2015. Collection method: clinical testing. Allele origin: germline.
Comment: IFNGR2 NM_005534.3 exon 5 p.Glu236Asp c.708A>T: This variant has not been reported in the literature but is present in 0.7% (192/24962) of African alleles including 1 homozygote in the Genome Aggregation Database. This variant is present in ClinVar (Variation ID:111250). Evolutionary conservation suggests that this variant may not impact the protein; computational predictive tools for this variant are unclear. In summary, data on this variant is insufficient for disease classification. Therefore, the clinical significance of this variant is uncertain.

PreventionGenetics, part of Exact Sciences
Classification: Benign for IFNGR2-related condition. Last evaluated: 2023-05-24. Review status: no assertion criteria provided. Collection method: clinical testing. Allele origin: germline. Not counted in ClinVar's aggregate classification.
Comment: This variant is classified as benign based on ACMG/AMP sequence variant interpretation guidelines (Richards et al. 2015 PMID: 25741868, with internal and published modifications).

Human Evolutionary Genetics, Institut Pasteur
No classification provided. Review status: no classification provided. Collection method: not provided. Allele origin: not provided. Not counted in ClinVar's aggregate classification.

Literature cited by the submitters: PubMed 26242990 (cited by Women's Health and Genetics/Laboratory Corporation of America, LabCorp); PubMed 34517836 (cited by Women's Health and Genetics/Laboratory Corporation of America, LabCorp).

NM_005534.4(IFNGR2):c.708A>T (p.Glu236Asp)

Gene: IFNGR2 (interferon gamma receptor 2; plus strand). Cytogenetic location: 21q22.11.
Variant type: single nucleotide variant.
Coding change: c.708A>T on transcript NM_005534.4 (MANE Select); coding-DNA position 708, A replaced by T.
Protein change: p.Glu236Asp; replaces glutamic acid 236 with aspartic acid.
Molecular consequence: missense variant.
Genome position (GRCh38, 1-based): chr21:33,432,323, A>T. VCF-style: chr21-33432323-A-T. GRCh37 (hg19) VCF-style: chr21-34804630-A-T.
Other names: c.765A>T, p.Glu255Asp (NM_001329128.2); short protein forms E236D, E255D.
Identifiers: ClinVar variation 111250 (VCV000111250.18), dbSNP rs121913212, ClinGen allele CA230564.